The following is an entry in ClinVar:

ClinVar aggregate classification (germline): Likely benign. Review status: criteria provided, multiple submitters, no conflicts (2 of 4 stars). 2 submissions from 2 submitters: Likely benign (2). Last evaluated 2025-12-15.

Allele frequency attached by ClinVar (database versions not stated): gnomAD 0.00001; TOPMed 0.00001; ExAC 0.00002.
gnomAD v4.1: 27 of 1,613,926 alleles (0.0017%); highest among the groups gnomAD compares: Admixed American, 0.01%; no homozygotes.

Submissions (2):

Labcorp Genetics (formerly Invitae), Labcorp
Classification: Likely benign. Last evaluated: 2025-12-15. Review status: criteria provided, single submitter. Criteria: Invitae Variant Classification Sherloc (09022015). Collection method: clinical testing. Allele origin: germline.

CeGaT Center for Human Genetics Tuebingen
Classification: Likely benign. Last evaluated: 2022-07-01. Review status: criteria provided, single submitter. Criteria: CeGaT Center For Human Genetics Tuebingen Variant Classification Criteria Version 2. Collection method: clinical testing. Allele origin: germline. Affected: yes. Observed: 1 variant allele.
Comment: LARS2: BP4, BP7

NM_015340.4(LARS2):c.732G>A (p.Lys244=)

Gene: LARS2 (leucyl-tRNA synthetase 2, mitochondrial; plus strand). Cytogenetic location: 3p21.31.
Variant type: single nucleotide variant.
Coding change: c.732G>A on transcript NM_015340.4 (MANE Select); coding-DNA position 732, G replaced by A.
Protein change: p.Lys244=; no amino-acid change (lysine 244 retained).
Molecular consequence: synonymous variant.
Genome position (GRCh38, 1-based): chr3:45,458,868, G>A. VCF-style: chr3-45458868-G-A. GRCh37 (hg19) VCF-style: chr3-45500360-G-A.
Other names: c.732G>A, p.Lys244= (NM_001368263.1).
Identifiers: ClinVar variation 2653728 (VCV002653728.25), dbSNP rs747907249, ClinGen allele CA2349395.